The following is an entry in ClinVar:

NM_001754.5(RUNX1):c.283C>T (p.Pro95Ser)

Gene: RUNX1 (RUNX family transcription factor 1; minus strand). Cytogenetic location: 21q22.12.
Variant type: single nucleotide variant.
Coding change: c.283C>T on transcript NM_001754.5 (MANE Select); coding-DNA position 283, C replaced by T.
Protein change: p.Pro95Ser; replaces proline 95 with serine.
Molecular consequence: missense variant.
Genome position (GRCh38, 1-based): chr21:34,886,911, G>A on the plus strand (C>T on the coding strand, the complement: RUNX1 is on the minus strand). VCF-style: chr21-34886911-G-A. GRCh37 (hg19) VCF-style: chr21-36259208-G-A.
Other names: NM_001754.5(RUNX1):c.283C>T; p.Pro95Ser; c.202C>T, p.Pro68Ser (NM_001001890.3, NM_001122607.2); short protein forms P95S, P68S.
Identifiers: ClinVar variation 839054 (VCV000839054.11), dbSNP rs2057999086, ClinGen allele CA410203686.

ClinVar aggregate classification (germline): Uncertain significance. Review status: reviewed by expert panel (3 of 4 stars). 3 submissions from 3 submitters: Uncertain significance (1). 2 of the submissions do not count toward it. Last evaluated 2024-09-25.

Conditions:
Hereditary thrombocytopenia and hematologic cancer predisposition syndrome. Identifiers: Orphanet 71290, MedGen CN281654, MONDO:0011071.
Inborn genetic diseases. Identifiers: MedGen C0950123, MeSH D030342.
Hereditary thrombocytopenia and hematological cancer predisposition syndrome associated with RUNX1. Also called: PLATELET DISORDER, ASPIRIN-LIKE; Familial Platelet Disorder with Propensity to Acute Myelogenous Leukemia; Familial thrombocytopenia with propensity to acute myelogenous leukemia; RUNX1 Familial Platelet Disorder with Associated Myeloid Malignancies. Identifiers: Orphanet 71290, MedGen C1832388, MeSH C563324, MONDO:0100083, OMIM 601399.

Submissions (3):

ClinGen Myeloid Malignancy Variant Curation Expert Panel
Classification: Uncertain significance for Hereditary thrombocytopenia and hematologic cancer predisposition syndrome. Last evaluated: 2024-09-25. Review status: reviewed by expert panel. Criteria: ClinGen MyeloMalig ACMG Specifications v2. Collection method: curation. Allele origin: germline. Inheritance: Autosomal dominant inheritance.
Comment: NM_001754.5(RUNX1):c.283C>T (p.Pro95Ser) is a missense variant which has a REVEL score ≥ 0.88 (0.951) (PP3). This variant affects a residue within the Runt Homology domain (AA 89-204) but does not affect an established hotspot residue (PM1_Supporting). This variant is completely absent from all population databases with at least 20x coverage for RUNX1 (PM2_Supporting). In summary, the clinical significance of this variant is uncertain. ACMG/AMP criteria applied, as specified by the Myeloid Malignancy Variant Curation Expert Panel for RUNX1: PP3, PM1_supporting, PM2_supporting.

Ambry Genetics
Classification: Uncertain significance for Inborn genetic diseases. Last evaluated: 2024-12-12. Review status: criteria provided, single submitter. Criteria: Ambry Variant Classification Scheme 2023. Collection method: clinical testing. Allele origin: germline. Not counted in ClinVar's aggregate classification.
Comment: The p.P95S variant (also known as c.283C>T), located in coding exon 3 of the RUNX1 gene, results from a C to T substitution at nucleotide position 283. The proline at codon 95 is replaced by serine, an amino acid with similar properties. This amino acid position is highly conserved in available vertebrate species. In addition, this alteration is predicted to be deleterious by in silico analysis. Based on the available evidence, the clinical significance of this variant remains unclear.

Labcorp Genetics (formerly Invitae), Labcorp
Classification: Uncertain significance for Hereditary thrombocytopenia and hematological cancer predisposition syndrome associated with RUNX1. Last evaluated: 2019-03-28. Review status: criteria provided, single submitter. Criteria: Invitae Variant Classification Sherloc (09022015). Collection method: clinical testing. Allele origin: germline. Not counted in ClinVar's aggregate classification.
Comment: In summary, the available evidence is currently insufficient to determine the role of this variant in disease. Therefore, it has been classified as a Variant of Uncertain Significance. Algorithms developed to predict the effect of missense changes on protein structure and function are either unavailable or do not agree on the potential impact of this missense change (SIFT: "Deleterious"; PolyPhen-2: "Probably Damaging"; Align-GVGD: "Class C0"). This variant has not been reported in the literature in individuals with RUNX1-related conditions. This variant is not present in population databases (ExAC no frequency). This sequence change replaces proline with serine at codon 95 of the RUNX1 protein (p.Pro95Ser). The proline residue is highly conserved and there is a moderate physicochemical difference between proline and serine.